The following is an entry in ClinVar:

NM_080424.4(SP110):c.617C>T (p.Ala206Val)

Genes: SP110 (SP110 nuclear body protein; minus strand), SP140 (SP140 nuclear body protein; plus strand). Cytogenetic location: 2q37.1.
Variant type: single nucleotide variant.
Coding change: c.617C>T on transcript NM_080424.4 (MANE Select); coding-DNA position 617, C replaced by T.
Protein change: p.Ala206Val; replaces alanine 206 with valine.
Molecular consequence: missense variant.
Genome position (GRCh38, 1-based): chr2:230,212,397, G>A on the plus strand (C>T on the coding strand, the complement: SP110 is on the minus strand). VCF-style: chr2-230212397-G-A. GRCh37 (hg19) VCF-style: chr2-231077112-G-A.
Other names: c.635C>T, p.Ala212Val (NM_001185015.2, NM_001378442.1, NM_001378444.1 and 2 more transcripts); c.617C>T, p.Ala206Val (NM_001378443.1, NM_001378447.1, NM_004509.5 and 1 more transcripts); c.617C>T (NM_004509.4); short protein forms A206V, A212V.
Identifiers: ClinVar variation 334911 (VCV000334911.24), dbSNP rs28930679, ClinGen allele CA2154782.

ClinVar aggregate classification (germline): Benign/Likely benign. Review status: criteria provided, multiple submitters, no conflicts (2 of 4 stars). 9 submissions from 9 submitters: Benign (6); Likely benign (3). Last evaluated 2026-02-04.

Conditions:
Hepatic veno-occlusive disease-immunodeficiency syndrome. Also called: Hepatic Veno-Occlusive Disease with Immunodeficiency. Identifiers: Orphanet 79124, MedGen C1856128, MONDO:0009338, OMIM 235550. Disease mechanism: loss of function.

Allele frequency attached by ClinVar (database versions not stated): 1000 Genomes Project 30x 0.15740; 1000 Genomes Project 0.15915; gnomAD 0.20467 and 0.20608; TOPMed 0.20626; ExAC 0.21078; gnomAD exomes 0.21411; ESP Exome Variant Server 0.21529.
gnomAD v4.1: 371,501 of 1,606,272 alleles (23%); highest among the groups gnomAD compares: Middle Eastern, 27%; 44,658 homozygotes.

Submissions (9):

Labcorp Genetics (formerly Invitae), Labcorp
Classification: Benign for Hepatic veno-occlusive disease-immunodeficiency syndrome. Last evaluated: 2026-02-04. Review status: criteria provided, single submitter. Criteria: Invitae Variant Classification Sherloc (09022015). Collection method: clinical testing. Allele origin: germline.

Mayo Clinic Laboratories, Mayo Clinic
Classification: Benign. Last evaluated: 2025-08-12. Review status: criteria provided, single submitter. Criteria: ACMG Guidelines, 2015. Collection method: clinical testing. Allele origin: germline. Observed: 2 variant alleles.
Comment: BA1

Blueprint Genetics
Classification: Likely benign. Last evaluated: 2024-11-26. Review status: criteria provided, single submitter. Criteria: ACMG Guidelines, 2015. Collection method: clinical testing. Allele origin: germline.

Unidad de Genómica Garrahan, Hospital de Pediatría Garrahan
Classification: Benign. Last evaluated: 2024-01-24. Review status: criteria provided, single submitter. Criteria: ACMG Guidelines, 2015. Collection method: clinical testing. Allele origin: germline. Affected: no. Observed: 49 variant alleles.
Comment: This variant is classified as Benign based on local population frequency. This variant was detected in 52% of patients studied by a panel of primary immunodeficiencies. Number of patients: 49. Only high quality variants are reported.

Women's Health and Genetics/Laboratory Corporation of America, LabCorp
Classification: Likely benign. Last evaluated: 2021-12-03. Review status: criteria provided, single submitter. Criteria: LabCorp Variant Classification Summary - May 2015. Collection method: clinical testing. Allele origin: germline.

Genome-Nilou Lab
Classification: Benign for Hepatic veno-occlusive disease-immunodeficiency syndrome. Last evaluated: 2021-07-15. Review status: criteria provided, single submitter. Criteria: ACMG Guidelines, 2015. Collection method: clinical testing. Allele origin: germline. Affected: no.

GeneDx
Classification: Benign. Last evaluated: 2019-08-23. Review status: criteria provided, single submitter. Criteria: GeneDx Variant Classification Process June 2021. Collection method: clinical testing. Allele origin: germline. Affected: yes.
Comment: This variant is associated with the following publications: (PMID: 30697212)

Laboratory for Molecular Medicine, Mass General Brigham Personalized Medicine
Classification: Benign. Last evaluated: 2016-03-29. Review status: criteria provided, single submitter. Criteria: LMM Criteria. Collection method: clinical testing. Allele origin: germline.
Comment: Variant identified in a genome or exome case(s) and assessed due to predicted null impact of the variant or pathogenic assertions in the literature or databases. Disclaimer: This variant has not undergone full assessment. The following are preliminary notes: Frequency

Breakthrough Genomics
Classification: Likely benign. Review status: criteria provided, single submitter. Criteria: ACMG Guidelines, 2015. Collection method: not provided. Allele origin: germline. Inheritance: Autosomal recessive inheritance. Affected: yes.